The following is an entry in ClinVar:

ClinVar aggregate classification (germline): Uncertain significance (1 of 4 stars; one submission).

Conditions:
Werner syndrome (WRN). Identifiers: Orphanet 902, MedGen C0043119, MONDO:0010196, OMIM 277700.

Allele frequency attached by ClinVar (database versions not stated): gnomAD exomes below 0.00001.

Submission:

Labcorp Genetics (formerly Invitae), Labcorp
Classification: Uncertain significance for Werner syndrome. Last evaluated: 2025-04-28. Review status: criteria provided, single submitter. Criteria: Invitae Variant Classification Sherloc (09022015). Collection method: clinical testing. Allele origin: germline.
Comment: This sequence change replaces lysine, which is basic and polar, with arginine, which is basic and polar, at codon 187 of the WRN protein (p.Lys187Arg). This variant is present in population databases (no rsID available, gnomAD 0.006%). This variant has not been reported in the literature in individuals affected with WRN-related conditions. ClinVar contains an entry for this variant (Variation ID: 1516430). An algorithm developed to predict the effect of missense changes on protein structure and function (PolyPhen-2) suggests that this variant is likely to be disruptive. In summary, the available evidence is currently insufficient to determine the role of this variant in disease. Therefore, it has been classified as a Variant of Uncertain Significance.

NM_000553.6(WRN):c.560A>G (p.Lys187Arg)

Gene: WRN (WRN RecQ like helicase; plus strand). Cytogenetic location: 8p12.
Variant type: single nucleotide variant.
Coding change: c.560A>G on transcript NM_000553.6 (MANE Select); coding-DNA position 560, A replaced by G.
Protein change: p.Lys187Arg; replaces lysine 187 with arginine.
Molecular consequence: missense variant.
Genome position (GRCh38, 1-based): chr8:31,067,088, A>G. VCF-style: chr8-31067088-A-G. GRCh37 (hg19) VCF-style: chr8-30924604-A-G.
Other names: short protein forms K187R.
Identifiers: ClinVar variation 1516430 (VCV001516430.6), dbSNP rs1394474527, ClinGen allele CA370916050.
Genomic context (GRCh38, chr8:31,067,088, plus strand): 5'-TCTAGCTGAAATGCACAGAGACCTGGAGCCTTAACAGTCTGGTTAAACACCTCTTAGGTA[A>G]ACAGCTCCTGAAAGACAAGTCTATCCGCTGTAGCAATTGGAGTAAATTTCCTCTCACTGA-3'
Protein context (NP_000544.2, residues 177-197): LNSLVKHLLG[Lys187Arg]QLLKDKSIRC